The following is an entry in ClinVar:

NM_005055.5(RAPSN):c.1081C>G (p.Leu361Val)

Gene: RAPSN (receptor associated protein of the synapse; minus strand). Cytogenetic location: 11p11.2.
Variant type: single nucleotide variant.
Coding change: c.1081C>G on transcript NM_005055.5 (MANE Select); coding-DNA position 1081, C replaced by G.
Protein change: p.Leu361Val; replaces leucine 361 with valine.
Molecular consequence: missense variant.
Genome position (GRCh38, 1-based): chr11:47,438,817, G>C on the plus strand (C>G on the coding strand, the complement: RAPSN is on the minus strand). VCF-style: chr11-47438817-G-C. GRCh37 (hg19) VCF-style: chr11-47460368-G-C.
Other names: c.904C>G, p.Leu302Val (NM_032645.5); short protein forms L302V, L361V.
Identifiers: ClinVar variation 1018672 (VCV001018672.7), dbSNP rs1231669536, ClinGen allele CA380327586.

ClinVar aggregate classification (germline): Uncertain significance. Review status: criteria provided, single submitter (1 of 4 stars). 2 submissions from 2 submitters: Uncertain significance (1). 1 of the submissions does not count toward it. Last evaluated 2022-04-12.

Conditions:
Congenital myasthenic syndrome 11. Also called: MYASTHENIC SYNDROME, CONGENITAL, Ie; Myasthenic syndrome, congenital, 11, associated with acetylcholine receptor deficiency. Identifiers: Orphanet 590, MedGen C4225367, MONDO:0014588, OMIM 616326.
Fetal akinesia deformation sequence 1 (FADS1). Also called: Fetal akinesia sequence; Pena-Shokeir syndrome type I. Identifiers: Orphanet 994, MedGen C1276035, MONDO:0100101, OMIM 208150, HP:0001989.
Congenital myasthenic syndrome (CMS). Also called: Congenital Myasthenic Syndromes. Identifiers: Orphanet 590, MedGen C0751882, MeSH D020294, MONDO:0018940.

Allele frequency attached by ClinVar (database versions not stated): TOPMed below 0.00001; gnomAD 0.00001.
gnomAD v4.1: 33 of 1,573,842 alleles (0.0021%); highest among the groups gnomAD compares: Non-Finnish European, 0.0028%; no homozygotes.

Submissions (2):

Labcorp Genetics (formerly Invitae), Labcorp
Classification: Uncertain significance for Congenital myasthenic syndrome 11; Fetal akinesia deformation sequence 1. Last evaluated: 2022-04-12. Review status: criteria provided, single submitter. Criteria: Invitae Variant Classification Sherloc (09022015). Collection method: clinical testing. Allele origin: germline.
Comment: This sequence change replaces leucine, which is neutral and non-polar, with valine, which is neutral and non-polar, at codon 361 of the RAPSN protein (p.Leu361Val). This variant is not present in population databases (gnomAD no frequency). This variant has not been reported in the literature in individuals affected with RAPSN-related conditions. ClinVar contains an entry for this variant (Variation ID: 1018672). Algorithms developed to predict the effect of missense changes on protein structure and function are either unavailable or do not agree on the potential impact of this missense change (SIFT: "Deleterious"; PolyPhen-2: "Possibly Damaging"; Align-GVGD: "Class C0"). In summary, the available evidence is currently insufficient to determine the role of this variant in disease. Therefore, it has been classified as a Variant of Uncertain Significance.

Natera, Inc.
Classification: Uncertain significance for Congenital myasthenic syndrome. Last evaluated: 2021-03-24. Review status: no assertion criteria provided. Collection method: clinical testing. Allele origin: germline. Not counted in ClinVar's aggregate classification.